The following is an entry in ClinVar:

ClinVar aggregate classification (germline): Conflicting classifications of pathogenicity. Review status: criteria provided, conflicting classifications (1 of 4 stars). 2 submissions from 2 submitters: Pathogenic (1); Uncertain significance (1). Last evaluated 2025-09-10.

Conditions:
Telangiectasia, hereditary hemorrhagic, type 5 (HHT5). Identifiers: Orphanet 774, MedGen C3809710, MONDO:0014217, OMIM 615506.

gnomAD v4.1: 8 of 1,611,762 alleles (0.0005%); highest among the groups gnomAD compares: South Asian, 0.0022%; no homozygotes.

Submissions (2):

Genomic Medicine Center of Excellence, King Faisal Specialist Hospital and Research Centre
Classification: Uncertain significance for Telangiectasia, hereditary hemorrhagic, type 5. Last evaluated: 2025-09-10. Review status: criteria provided, single submitter. Criteria: ACMG Guidelines, 2015. Collection method: clinical testing. Allele origin: germline.

Labcorp Genetics (formerly Invitae), Labcorp
Classification: Pathogenic for Telangiectasia, hereditary hemorrhagic, type 5. Last evaluated: 2024-03-20. Review status: criteria provided, single submitter. Criteria: Invitae Variant Classification Sherloc (09022015). Collection method: clinical testing. Allele origin: germline.
Comment: This sequence change creates a premature translational stop signal (p.Arg30*) in the GDF2 gene. It is expected to result in an absent or disrupted protein product. Loss-of-function variants in GDF2 are known to be pathogenic (PMID: 26801773, 31661308, 31727138). This variant is present in population databases (rs782274691, gnomAD 0.003%). This variant has not been reported in the literature in individuals affected with GDF2-related conditions. For these reasons, this variant has been classified as Pathogenic.

Literature cited by the submitters: PubMed 26801773 (cited by Labcorp Genetics (formerly Invitae), Labcorp); PubMed 31661308 (cited by Labcorp Genetics (formerly Invitae), Labcorp); PubMed 31727138 (cited by Labcorp Genetics (formerly Invitae), Labcorp).

NM_016204.4(GDF2):c.88C>T (p.Arg30Ter)

Gene: GDF2 (growth differentiation factor 2; plus strand). Cytogenetic location: 10q11.22.
Variant type: single nucleotide variant.
Coding change: c.88C>T on transcript NM_016204.4 (MANE Select); coding-DNA position 88, C replaced by T.
Protein change: p.Arg30Ter; replaces arginine 30 with a stop codon.
Molecular consequence: nonsense.
Genome position (GRCh38, 1-based): chr10:47,322,756, C>T. VCF-style: chr10-47322756-C-T. GRCh37 (hg19) VCF-style: chr10-48416606-G-A.
Other names: short protein forms R30*.
Identifiers: ClinVar variation 3665805 (VCV003665805.3).
Genomic context (GRCh38, chr10:47,322,756, plus strand): 5'-CTGCCCCTGCTGTCCCTGCTGGCTGGCTCCCTACAGGGGAAGCCACTGCAGAGCTGGGGA[C>T]GAGGGTCTGCTGGGGGAAACGCCCACAGCCCACTGGGGGTGCCTGGAGGTGGGCTGCCTG-3'